The following is an entry in ClinVar:

NM_001556.3(IKBKB):c.1215C>G (p.Pro405=)

Gene: IKBKB (inhibitor of nuclear factor kappa B kinase subunit beta; plus strand). Cytogenetic location: 8p11.21.
Variant type: single nucleotide variant.
Coding change: c.1215C>G on transcript NM_001556.3 (MANE Select); coding-DNA position 1215, C replaced by G.
Protein change: p.Pro405=; no amino-acid change (proline 405 retained).
Molecular consequence: synonymous variant. On other transcripts: non-coding transcript variant (3).
Genome position (GRCh38, 1-based): chr8:42,317,746, C>G. VCF-style: chr8-42317746-C-G. GRCh37 (hg19) VCF-style: chr8-42175264-C-G.
Other names: c.1023C>G, p.Pro341= (NM_001190720.3); c.1038C>G, p.Pro346= (NM_001242778.2).
Identifiers: ClinVar variation 2658584 (VCV002658584.27), dbSNP rs1258941982, ClinGen allele CA460553962.

ClinVar aggregate classification (germline): Likely benign. Review status: criteria provided, multiple submitters, no conflicts (2 of 4 stars). 2 submissions from 2 submitters: Likely benign (2). Last evaluated 2025-07-21.

Conditions:
Severe combined immunodeficiency due to IKK2 deficiency. Also called: Immunodeficiency 15; IMMUNODEFICIENCY 15B. Identifiers: Orphanet 397787, MedGen C4747743, MONDO:0014267, OMIM 615592.

Allele frequency attached by ClinVar (database versions not stated): gnomAD exomes below 0.00001.
gnomAD v4.1: 3 of 1,612,590 alleles (0.00019%); highest among the groups gnomAD compares: Non-Finnish European, 0.00025%; no homozygotes.

Submissions (2):

Labcorp Genetics (formerly Invitae), Labcorp
Classification: Likely benign for Severe combined immunodeficiency due to IKK2 deficiency. Last evaluated: 2025-07-21. Review status: criteria provided, single submitter. Criteria: Invitae Variant Classification Sherloc (09022015). Collection method: clinical testing. Allele origin: germline.

CeGaT Center for Human Genetics Tuebingen
Classification: Likely benign. Last evaluated: 2022-05-01. Review status: criteria provided, single submitter. Criteria: CeGaT Center For Human Genetics Tuebingen Variant Classification Criteria Version 2. Collection method: clinical testing. Allele origin: germline. Affected: yes. Observed: 1 variant allele.
Comment: IKBKB: PM2:Supporting, BP4, BP7